The following is an entry in ClinVar:

NM_173841.3(IL1RN):c.-31A>G

Gene: IL1RN (interleukin 1 receptor antagonist; plus strand). Cytogenetic location: 2q14.1.
Variant type: single nucleotide variant.
Coding change: c.-31A>G on transcript NM_173841.3; 31 bases upstream of the start codon, A replaced by G.
Molecular consequence: 5 prime UTR variant.
Genome position (GRCh38, 1-based): chr2:113,117,988, A>G. VCF-style: chr2-113117988-A-G. GRCh37 (hg19) VCF-style: chr2-113875565-A-G.
Other names: c.-31A>G (NM_000577.5); c.-313A>G (NM_001318914.2); c.-250A>G (NM_173843.3).
Identifiers: ClinVar variation 330820 (VCV000330820.11), dbSNP rs2234678, ClinGen allele CA1838686.

ClinVar aggregate classification (germline): Benign. Review status: criteria provided, multiple submitters, no conflicts (2 of 4 stars). 4 submissions from 4 submitters: Benign (4). Last evaluated 2023-11-12.

Conditions:
Sterile multifocal osteomyelitis with periostitis and pustulosis. Also called: CHRONIC RECURRENT MULTIFOCAL OSTEOMYELITIS 2, WITH PERIOSTITIS AND PUSTULOSIS. Identifiers: Orphanet 210115, MedGen C2748507, MONDO:0013021, OMIM 612852.

Allele frequency attached by ClinVar (database versions not stated): gnomAD 0.20857 and 0.20530; ExAC 0.24485; TOPMed 0.19900; 1000 Genomes Project 30x 0.18129; 1000 Genomes Project 0.18590; ESP Exome Variant Server 0.19806; gnomAD exomes 0.24850 and 0.25316.

Submissions (4):

Unidad de Genómica Garrahan, Hospital de Pediatría Garrahan
Classification: Benign. Last evaluated: 2023-11-12. Review status: criteria provided, single submitter. Criteria: ACMG Guidelines, 2015. Collection method: clinical testing. Allele origin: germline. Affected: no. Observed: 47 variant alleles.
Comment: This variant is classified as Benign based on local population frequency. This variant was detected in 49% of patients studied by a panel of primary immunodeficiencies. Number of patients: 47. Only high quality variants are reported.

GeneDx
Classification: Benign. Last evaluated: 2021-05-12. Review status: criteria provided, single submitter. Criteria: GeneDx Variant Classification Process June 2021. Collection method: clinical testing. Allele origin: germline. Affected: yes.

Illumina Laboratory Services, Illumina
Classification: Benign for Sterile multifocal osteomyelitis with periostitis and pustulosis. Last evaluated: 2018-01-13. Review status: criteria provided, single submitter. Criteria: ICSL Variant Classification Criteria 13 December 2019. Collection method: clinical testing. Allele origin: germline.
Comment: This variant was observed in the ICSL laboratory as part of a predisposition screen in an ostensibly healthy population. It had not been previously curated by ICSL or reported in the Human Gene Mutation Database (HGMD: prior to June 1st, 2018), and was therefore a candidate for classification through an automated scoring system. Utilizing variant allele frequency, disease prevalence and penetrance estimates, and inheritance mode, an automated score was calculated to assess if this variant is too frequent to cause the disease. Based on the score and internal cut-off values, a variant classified as benign is not then subjected to further curation. The score for this variant resulted in a classification of benign for this disease.

Breakthrough Genomics
Classification: Benign. Review status: criteria provided, single submitter. Criteria: ACMG Guidelines, 2015. Collection method: not provided. Allele origin: germline. Inheritance: Autosomal recessive inheritance. Affected: yes.